The following is an entry in ClinVar:

ClinVar aggregate classification (germline): Uncertain significance (1 of 4 stars; one submission).

Conditions:
Polyglandular autoimmune syndrome, type 1 (APS1). Also called: Autoimmune polyendocrine syndrome type 1; Autoimmune polyendocrinopathy syndrome, type I; HYPOADRENOCORTICISM WITH HYPOPARATHYROIDISM AND SUPERFICIAL MONILIASIS; PGA I; APS I; AUTOIMMUNE POLYENDOCRINE SYNDROME, TYPE I, WITH OR WITHOUT REVERSIBLE METAPHYSEAL DYSPLASIA. Identifiers: Orphanet 3453, MedGen C0085859, MONDO:0009411, OMIM 240300.

Submission:

Labcorp Genetics (formerly Invitae), Labcorp
Classification: Uncertain significance for Polyglandular autoimmune syndrome, type 1. Last evaluated: 2021-08-30. Review status: criteria provided, single submitter. Criteria: Invitae Variant Classification Sherloc (09022015). Collection method: clinical testing. Allele origin: germline.
Comment: This variant, c.143_145del, results in the deletion of 1 amino acid(s) of the AIRE protein (p.His48del), but otherwise preserves the integrity of the reading frame. This variant is not present in population databases (ExAC no frequency). This variant has not been reported in the literature in individuals affected with AIRE-related conditions. Experimental studies and prediction algorithms are not available or were not evaluated, and the functional significance of this variant is currently unknown. In summary, the available evidence is currently insufficient to determine the role of this variant in disease. Therefore, it has been classified as a Variant of Uncertain Significance.

NM_000383.4(AIRE):c.143_145del (p.His48del)

Gene: AIRE (autoimmune regulator; plus strand). Cytogenetic location: 21q22.3.
Variant type: Deletion.
Coding change: c.143_145del on transcript NM_000383.4 (MANE Select); coding-DNA positions 143 to 145, 3 bases deleted (ATC; older notation c.143_145delATC).
Protein change: p.His48del; deletes histidine 48.
Molecular consequence: inframe deletion.
Genome position (GRCh38, 1-based): chr21:44,286,567-44,286,569, ATC deleted; deleting any 3 consecutive bases within chr21:44,286,565-44,286,569 gives the same sequence; the c. name uses the placement nearest the transcript's 3' end. VCF-style (leftmost placement, unchanged base first): chr21-44286564-TTCA-T. GRCh37 (hg19) VCF-style: chr21-45706447-TTCA-T.
Other names: short protein forms H48del.
Identifiers: ClinVar variation 649243 (VCV000649243.8), dbSNP rs1601964364, ClinGen allele CA915952715.